The following is an entry in ClinVar:

ClinVar aggregate classification (germline): Benign/Likely benign. Review status: criteria provided, multiple submitters, no conflicts (2 of 4 stars). 4 submissions from 4 submitters: Benign (2); Likely benign (1). 1 of the submissions does not count toward it. Last evaluated 2024-11-27.

Conditions:
MPIG6B-related disorder. Also called: MPIG6B-related condition.

Allele frequency attached by ClinVar (database versions not stated): ExAC 0.04198; 1000 Genomes Project 0.05731; 1000 Genomes Project 30x 0.05996; ESP Exome Variant Server 0.07343; TOPMed 0.07860.

Submissions (4):

Blueprint Genetics
Classification: Likely benign. Last evaluated: 2024-11-27. Review status: criteria provided, single submitter. Criteria: ACMG Guidelines, 2015. Collection method: clinical testing. Allele origin: germline.

Mayo Clinic Laboratories, Mayo Clinic
Classification: Benign. Last evaluated: 2023-06-26. Review status: criteria provided, single submitter. Criteria: ACMG Guidelines, 2015. Collection method: clinical testing. Allele origin: germline. Observed: 75 variant alleles.

GeneDx
Classification: Benign. Last evaluated: 2021-02-12. Review status: criteria provided, single submitter. Criteria: GeneDx Variant Classification Process June 2021. Collection method: clinical testing. Allele origin: germline. Affected: yes.

PreventionGenetics, part of Exact Sciences
Classification: Benign for MPIG6B-related condition. Last evaluated: 2019-04-25. Review status: no assertion criteria provided. Collection method: clinical testing. Allele origin: germline. Not counted in ClinVar's aggregate classification.
Comment: This variant is classified as benign based on ACMG/AMP sequence variant interpretation guidelines (Richards et al. 2015 PMID: 25741868, with internal and published modifications).

NM_138272.3(MPIG6B):c.523C>G (p.Arg175Gly)

Gene: MPIG6B (megakaryocyte and platelet inhibitory receptor G6b; plus strand). Cytogenetic location: 6p21.33.
Variant type: single nucleotide variant.
Coding change: c.523C>G on transcript NM_138272.3 (MANE Select); coding-DNA position 523, C replaced by G.
Protein change: p.Arg175Gly; replaces arginine 175 with glycine.
Molecular consequence: missense variant. On other transcripts: intron variant (2).
Genome position (GRCh38, 1-based): chr6:31,724,609, C>G. VCF-style: chr6-31724609-C-G. GRCh37 (hg19) VCF-style: chr6-31692386-C-G.
Other names: p.Arg175Gly; c.523C>G (NM_025260.3); c.523C>G, p.Arg175Gly (NM_025260.4, NM_138277.3); c.432C>G, p.Phe144Leu (NM_138273.3); c.410-137C>G (NM_138274.3); c.410-156C>G (NM_138275.3); short protein forms F144L, R175G.
Identifiers: ClinVar variation 1245986 (VCV001245986.6), dbSNP rs11575845, ClinGen allele CA3720396.